The following is an entry in ClinVar:

NM_032539.5(SLITRK2):c.1558G>A (p.Ala520Thr)

Gene: SLITRK2 (SLIT and NTRK like family member 2; plus strand). Cytogenetic location: Xq27.3.
Variant type: single nucleotide variant.
Coding change: c.1558G>A on transcript NM_032539.5 (MANE Select); coding-DNA position 1558, G replaced by A.
Protein change: p.Ala520Thr; replaces alanine 520 with threonine.
Molecular consequence: missense variant.
Genome position (GRCh38, 1-based): chrX:145,823,983, G>A. VCF-style: chrX-145823983-G-A. GRCh37 (hg19) VCF-style: chrX-144905501-G-A.
Other names: c.1558G>A, p.Ala520Thr (NM_001144003.3, NM_001144004.3, NM_001144005.3 and 4 more transcripts); short protein forms A520T.
Identifiers: ClinVar variation 4848199 (VCV004848199.1).
Genomic context (GRCh38, chrX:145,823,983, plus strand): 5'-AATCTGAGAAACAACCATTTTTCTCACCTGCCCGTGAAAGGGGTTCTGGATCAGCTCCCG[G>A]CTTTCATCCAGATAGATCTGCAGGAGAACCCCTGGGACTGTACCTGTGACATCATGGGGC-3'
Protein context (NP_115928.1, residues 510-530): PVKGVLDQLP[Ala520Thr]FIQIDLQENP

ClinVar aggregate classification (germline): Uncertain significance (1 of 4 stars; one submission).

Submission:

Women's Health and Genetics/Laboratory Corporation of America, LabCorp
Classification: Uncertain significance. Last evaluated: 2026-02-20. Review status: criteria provided, single submitter. Criteria: LabCorp Variant Classification Summary - May 2015. Collection method: clinical testing. Allele origin: germline.
Comment: Variant summary: SLITRK2 c.1558G>A (p.Ala520Thr) results in a non-conservative amino acid change in the encoded protein sequence. Algorithms developed to predict the effect of missense changes on protein structure and function are either unavailable or do not agree on the potential impact of this missense change. The variant was absent in 181165 control chromosomes. The available data on variant occurrences in the general population are insufficient to allow any conclusion about variant significance. To our knowledge, no occurrence of c.1558G>A in individuals affected with SLITRK2-related conditions and no experimental evidence demonstrating its impact on protein function have been reported. No submitters have cited clinical-significance assessments for this variant to ClinVar. Based on the evidence outlined above, the variant was classified as uncertain significance.